The following is an entry in ClinVar:

ClinVar aggregate classification (germline): Benign/Likely benign. Review status: criteria provided, multiple submitters, no conflicts (2 of 4 stars). 9 submissions from 9 submitters: Benign (2); Likely benign (7). Last evaluated 2026-07-16.

Conditions:
Hereditary cancer-predisposing syndrome. Also called: Hereditary Cancer Syndrome; Tumor predisposition; Hereditary neoplastic syndrome; Neoplastic Syndromes, Hereditary. Identifiers: Orphanet 140162, MedGen C0027672, MeSH D009386, MONDO:0015356.
Rhabdoid tumor predisposition syndrome 2 (RTPS2). Identifiers: Orphanet 231108, Orphanet 69077, MedGen C2750074, MONDO:0013224, OMIM 613325.

Allele frequency attached by ClinVar (database versions not stated): TOPMed 0.00013; gnomAD 0.00006 and 0.00007; ESP Exome Variant Server 0.00008; ExAC 0.00009; gnomAD exomes 0.00009.
gnomAD v4.1: 351 of 1,612,468 alleles (0.022%); highest among the groups gnomAD compares: Non-Finnish European, 0.027%; no homozygotes.

Submissions (9):

Myriad Genetics, Inc.
Classification: Benign for Rhabdoid tumor predisposition syndrome 2. Last evaluated: 2026-07-16. Review status: criteria provided, single submitter. Criteria: Myriad Autosomal Dominant, Autosomal Recessive and X-Linked Classification Criteria (2023). Collection method: clinical testing. Allele origin: unknown.
Comment: This variant is considered benign. This variant is a silent/synonymous amino acid change and it is not expected to impact splicing.

Labcorp Genetics (formerly Invitae), Labcorp
Classification: Likely benign for Rhabdoid tumor predisposition syndrome 2. Last evaluated: 2026-02-02. Review status: criteria provided, single submitter. Criteria: Invitae Variant Classification Sherloc (09022015). Collection method: clinical testing. Allele origin: germline.

CeGaT Center for Human Genetics Tuebingen
Classification: Likely benign. Last evaluated: 2025-08-01. Review status: criteria provided, single submitter. Criteria: CeGaT Center For Human Genetics Tuebingen Variant Classification Criteria Version 2. Collection method: clinical testing. Allele origin: germline. Affected: yes. Observed: 6 variant alleles.
Comment: SMARCA4: BP4, BP7

Blueprint Genetics
Classification: Likely benign. Last evaluated: 2024-11-05. Review status: criteria provided, single submitter. Criteria: ACMG Guidelines, 2015. Collection method: clinical testing. Allele origin: germline.

ARUP Laboratories, Molecular Genetics and Genomics, ARUP Laboratories
Classification: Likely benign. Last evaluated: 2024-03-14. Review status: criteria provided, single submitter. Criteria: ARUP Molecular Germline Variant Investigation Process 2024. Collection method: clinical testing. Allele origin: germline.

GeneDx
Classification: Likely benign. Last evaluated: 2021-09-01. Review status: criteria provided, single submitter. Criteria: GeneDx Variant Classification Process June 2021. Collection method: clinical testing. Allele origin: germline. Affected: yes.

Sema4
Classification: Benign for Hereditary cancer-predisposing syndrome. Last evaluated: 2021-04-28. Review status: criteria provided, single submitter. Criteria: Sema4 Curation Guidelines. Collection method: curation. Allele origin: germline.

Ambry Genetics
Classification: Likely benign for Hereditary cancer-predisposing syndrome. Last evaluated: 2015-07-09. Review status: criteria provided, single submitter. Criteria: Ambry Variant Classification Scheme 2023. Collection method: clinical testing. Allele origin: germline.

Breakthrough Genomics
Classification: Likely benign. Review status: criteria provided, single submitter. Criteria: ACMG Guidelines, 2015. Collection method: not provided. Allele origin: germline. Inheritance: Autosomal dominant inheritance. Affected: yes.

NM_003072.5(SMARCA4):c.4302C>T (p.Asp1434=)

Gene: SMARCA4 (SWI/SNF related BAF chromatin remodeling complex subunit ATPase 4; plus strand). Cytogenetic location: 19p13.2.
Variant type: single nucleotide variant.
Coding change: c.4302C>T on transcript NM_003072.5 (MANE Select); coding-DNA position 4302, C replaced by T.
Protein change: p.Asp1434=; no amino-acid change (aspartic acid 1434 retained).
Molecular consequence: synonymous variant. On other transcripts: non-coding transcript variant (1).
Genome position (GRCh38, 1-based): chr19:11,041,438, C>T. VCF-style: chr19-11041438-C-T. GRCh37 (hg19) VCF-style: chr19-11152114-C-T.
Other names: c.4302C>T, p.Asp1434= (NM_001128844.3); c.4212C>T, p.Asp1404= (NM_001128845.2, NM_001128846.2); c.4203C>T, p.Asp1401= (NM_001128847.4, NM_001128848.2, NM_001374457.1); c.4398C>T, p.Asp1466= (NM_001128849.3, NM_001387283.1).
Identifiers: ClinVar variation 220888 (VCV000220888.54), dbSNP rs146747026, ClinGen allele CA349154.